The following is an entry in ClinVar:

ClinVar aggregate classification (germline): Uncertain significance (1 of 4 stars; one submission).

Conditions:
Familial focal epilepsy with variable foci (FPEVF). Identifiers: Orphanet 98820, MedGen C1858477, MONDO:0020310.

gnomAD v4.1: 5 of 1,614,048 alleles (0.00031%); highest among the groups gnomAD compares: East Asian, 0.011%; no homozygotes.

Submission:

Labcorp Genetics (formerly Invitae), Labcorp
Classification: Uncertain significance for Familial focal epilepsy with variable foci. Last evaluated: 2025-03-16. Review status: criteria provided, single submitter. Criteria: Invitae Variant Classification Sherloc (09022015). Collection method: clinical testing. Allele origin: germline.
Comment: This sequence change replaces alanine, which is neutral and non-polar, with serine, which is neutral and polar, at codon 452 of the DEPDC5 protein (p.Ala452Ser). This variant is present in population databases (rs768264302, gnomAD 0.01%). This variant has not been reported in the literature in individuals affected with DEPDC5-related conditions. Experimental studies and prediction algorithms are not available or were not evaluated, and the functional significance of this variant is currently unknown. In summary, the available evidence is currently insufficient to determine the role of this variant in disease. Therefore, it has been classified as a Variant of Uncertain Significance.

NM_001242896.3(DEPDC5):c.1354G>T (p.Ala452Ser)

Gene: DEPDC5 (DEP domain containing 5, GATOR1 subcomplex subunit; plus strand). Cytogenetic location: 22q12.3.
Variant type: single nucleotide variant.
Coding change: c.1354G>T on transcript NM_001242896.3 (MANE Select); coding-DNA position 1354, G replaced by T.
Protein change: p.Ala452Ser; replaces alanine 452 with serine.
Molecular consequence: missense variant. On other transcripts: non-coding transcript variant (5).
Genome position (GRCh38, 1-based): chr22:31,810,550, G>T. VCF-style: chr22-31810550-G-T. GRCh37 (hg19) VCF-style: chr22-32206536-G-T.
Other names: c.1354G>T, p.Ala452Ser (NM_001007188.4, NM_001136029.4, NM_001242897.2 and 7 more transcripts); c.1270G>T, p.Ala424Ser (NM_001369901.1, NM_001369902.1); short protein forms A424S, A452S.
Identifiers: ClinVar variation 4749091 (VCV004749091.1).